The following is an entry in ClinVar:

ClinVar aggregate classification (germline): Likely benign (1 of 4 stars; one submission).

Allele frequency attached by ClinVar (database versions not stated): gnomAD 0.00672 and 0.00719; TOPMed 0.00735; 1000 Genomes Project 0.00919; 1000 Genomes Project 30x 0.00968.

Submission:

GeneDx
Classification: Likely benign. Last evaluated: 2021-10-27. Review status: criteria provided, single submitter. Criteria: GeneDx Variant Classification Process June 2021. Collection method: clinical testing. Allele origin: germline. Affected: yes.
Comment: See Variant Classification Assertion Criteria.

NM_001244008.2(KIF1A):c.-61+137G>A

Gene: KIF1A (kinesin family member 1A; minus strand). Cytogenetic location: 2q37.3.
Variant type: single nucleotide variant.
Coding change: c.-61+137G>A on transcript NM_001244008.2 (MANE Select); 137 bases into the intron after 61 bases upstream of the start codon, G replaced by A.
Molecular consequence: intron variant.
Genome position (GRCh38, 1-based): chr2:240,819,985, C>T on the plus strand (G>A on the coding strand, the complement: KIF1A is on the minus strand). VCF-style: chr2-240819985-C-T. GRCh37 (hg19) VCF-style: chr2-241759402-C-T.
Other names: c.-61+1355G>A (NM_001379653.1); c.-61+931G>A (NM_001379650.1, NM_001379645.1, NM_001379635.1); c.-61+137G>A (NM_001379640.1, NM_001379641.1, NM_004321.8 and 15 more transcripts).
Identifiers: ClinVar variation 1683834 (VCV001683834.2), dbSNP rs190193417, ClinGen allele CA68159200.